The following is an entry in ClinVar:

NM_001292063.2(OTOG):c.6563T>C (p.Val2188Ala)

Gene: OTOG (otogelin; plus strand). Cytogenetic location: 11p15.1.
Variant type: single nucleotide variant.
Coding change: c.6563T>C on transcript NM_001292063.2 (MANE Select); coding-DNA position 6563, T replaced by C.
Protein change: p.Val2188Ala; replaces valine 2188 with alanine.
Molecular consequence: missense variant.
Genome position (GRCh38, 1-based): chr11:17,629,167, T>C. VCF-style: chr11-17629167-T-C. GRCh37 (hg19) VCF-style: chr11-17650714-T-C.
Other names: c.6599T>C, p.Val2200Ala (NM_001277269.2); short protein forms V2200A, V2188A.
Identifiers: ClinVar variation 2186852 (VCV002186852.4), dbSNP rs1159537033, ClinGen allele CA379807795.
Genomic context (GRCh38, chr11:17,629,167, plus strand): 5'-GTGCTCACACTGAATTCCCTCCCAAGGTGACTGTGGACTTGCAGCCTGTGTGGCCACCGG[T>C]GAGCAGGTATGGATTCAGAATTGAGGACACAGGCCACATGTACATGATCCTGACTCCCTC-3'
Protein context (NP_001278992.1, residues 2178-2198): TVDLQPVWPP[Val2188Ala]SRYGFRIEDT

ClinVar aggregate classification (germline): Uncertain significance (1 of 4 stars; one submission).

Allele frequency attached by ClinVar (database versions not stated): gnomAD exomes 0.00001; TOPMed 0.00002.
gnomAD v4.1: 19 of 1,550,534 alleles (0.0012%); highest among the groups gnomAD compares: Admixed American, 0.024%; no homozygotes.

Submission:

Labcorp Genetics (formerly Invitae), Labcorp
Classification: Uncertain significance. Last evaluated: 2023-10-03. Review status: criteria provided, single submitter. Criteria: Invitae Variant Classification Sherloc (09022015). Collection method: clinical testing. Allele origin: germline.
Comment: This sequence change replaces valine, which is neutral and non-polar, with alanine, which is neutral and non-polar, at codon 2200 of the OTOG protein (p.Val2200Ala). This variant is present in population databases (no rsID available, gnomAD 0.02%). This variant has not been reported in the literature in individuals affected with OTOG-related conditions. ClinVar contains an entry for this variant (Variation ID: 2186852). An algorithm developed to predict the effect of missense changes on protein structure and function (PolyPhen-2) suggests that this variant is likely to be disruptive. In summary, the available evidence is currently insufficient to determine the role of this variant in disease. Therefore, it has been classified as a Variant of Uncertain Significance.